The following is an entry in ClinVar:

NM_001365536.1(SCN9A):c.5245C>G (p.Leu1749Val)

Genes: SCN9A (sodium voltage-gated channel alpha subunit 9; minus strand), SCN1A-AS1 (SCN1A and SCN9A antisense RNA 1; plus strand). Cytogenetic location: 2q24.3.
Variant type: single nucleotide variant.
Coding change: c.5245C>G on transcript NM_001365536.1 (MANE Select); coding-DNA position 5245, C replaced by G.
Protein change: p.Leu1749Val; replaces leucine 1749 with valine.
Molecular consequence: missense variant.
Genome position (GRCh38, 1-based): chr2:166,199,394, G>C on the plus strand (C>G on the coding strand, the complement: SCN9A is on the minus strand). VCF-style: chr2-166199394-G-C. GRCh37 (hg19) VCF-style: chr2-167055904-G-C.
Other names: c.5212C>G, p.Leu1738Val (NM_002977.4); short protein forms L1749V, L1738V.
Identifiers: ClinVar variation 1474812 (VCV001474812.8), dbSNP rs200636760, ClinGen allele CA1943704.

ClinVar aggregate classification (germline): Uncertain significance (1 of 4 stars; one submission).

Conditions:
Generalized epilepsy with febrile seizures plus, type 7 (GEFSP7). Also called: GEFS+, TYPE 7. Identifiers: Orphanet 36387, MedGen C2751778, MONDO:0013470, OMIM 613863.
Neuropathy, hereditary sensory and autonomic, type 2A (HSAN2A). Also called: ACROOSTEOLYSIS, GIACCAI TYPE; ACROOSTEOLYSIS, NEUROGENIC; MORVAN DISEASE; HSAN IIA; NEUROPATHY, CONGENITAL SENSORY; NEUROPATHY, HEREDITARY SENSORY RADICULAR, AUTOSOMAL RECESSIVE. Identifiers: Orphanet 970, MedGen C2752089, MONDO:0024309, OMIM 201300.

gnomAD v4.1: 4 of 1,614,112 alleles (0.00025%); highest among the groups gnomAD compares: African/African-American, 0.0013%; no homozygotes.

Submission:

Labcorp Genetics (formerly Invitae), Labcorp
Classification: Uncertain significance for Neuropathy, hereditary sensory and autonomic, type 2A; Generalized epilepsy with febrile seizures plus, type 7. Last evaluated: 2022-04-16. Review status: criteria provided, single submitter. Criteria: Invitae Variant Classification Sherloc (09022015). Collection method: clinical testing. Allele origin: germline.
Comment: This variant has not been reported in the literature in individuals affected with SCN9A-related conditions. This variant is present in population databases (rs200636760, gnomAD 0.002%). This sequence change replaces leucine, which is neutral and non-polar, with valine, which is neutral and non-polar, at codon 1738 of the SCN9A protein (p.Leu1738Val). In summary, the available evidence is currently insufficient to determine the role of this variant in disease. Therefore, it has been classified as a Variant of Uncertain Significance. Algorithms developed to predict the effect of missense changes on protein structure and function (SIFT, PolyPhen-2, Align-GVGD) all suggest that this variant is likely to be disruptive.